The following is an entry in ClinVar:

ClinVar aggregate classification (germline): Pathogenic (1 of 4 stars; one submission).

Conditions:
Early-infantile DEE. Also called: Early infantile epileptic encephalopathy with suppression bursts; Early infantile epileptic encephalopathy; Ohtahara syndrome. Identifiers: Orphanet 1934, MedGen C0393706, MONDO:0800491.

Submission:

Labcorp Genetics (formerly Invitae), Labcorp
Classification: Pathogenic for Early-infantile DEE. Last evaluated: 2022-10-13. Review status: criteria provided, single submitter. Criteria: Invitae Variant Classification Sherloc (09022015). Collection method: clinical testing. Allele origin: germline.
Comment: This variant is also known as c.4082C>T (p.Ala1361Val). This missense change has been observed in individual(s) with clinical features of SCN8A-related conditions (PMID: 33004838; Invitae). In at least one individual the variant was observed to be de novo. This variant is not present in population databases (gnomAD no frequency). This sequence change replaces alanine, which is neutral and non-polar, with valine, which is neutral and non-polar, at codon 1350 of the SCN8A protein (p.Ala1350Val). For these reasons, this variant has been classified as Pathogenic. Advanced modeling of protein sequence and biophysical properties (such as structural, functional, and spatial information, amino acid conservation, physicochemical variation, residue mobility, and thermodynamic stability) performed at Invitae indicates that this missense variant is expected to disrupt SCN8A protein function. ClinVar contains an entry for this variant (Variation ID: 643045).

Literature cited by the submitters: PubMed 33004838.

NM_001330260.2(SCN8A):c.4049C>T (p.Ala1350Val)

Gene: SCN8A (sodium voltage-gated channel alpha subunit 8; plus strand). Cytogenetic location: 12q13.13.
Variant type: single nucleotide variant.
Coding change: c.4049C>T on transcript NM_001330260.2 (MANE Select); coding-DNA position 4049, C replaced by T.
Protein change: p.Ala1350Val; replaces alanine 1350 with valine.
Molecular consequence: missense variant.
Genome position (GRCh38, 1-based): chr12:51,786,648, C>T. VCF-style: chr12-51786648-C-T. GRCh37 (hg19) VCF-style: chr12-52180432-C-T.
Other names: c.3926C>T, p.Ala1309Val (NM_001177984.3, NM_001369788.1); c.4049C>T, p.Ala1350Val (NM_014191.4); short protein forms A1350V, A1309V.
Identifiers: ClinVar variation 643045 (VCV000643045.11), dbSNP rs1592162506, ClinGen allele CA384905128.